The following is an entry in ClinVar:

ClinVar aggregate classification (germline): Uncertain significance (1 of 4 stars; one submission).

Conditions:
Peutz-Jeghers syndrome (PJS). Also called: POLYPOSIS, HAMARTOMATOUS INTESTINAL; POLYPS-AND-SPOTS SYNDROME; Peutz-Jeghers polyposis; Periorificial lentiginosis syndrome. Identifiers: Orphanet 2869, MedGen C0031269, MeSH D010580, MONDO:0008280, OMIM 175200.

Submission:

Labcorp Genetics (formerly Invitae), Labcorp
Classification: Uncertain significance for Peutz-Jeghers syndrome. Last evaluated: 2018-05-29. Review status: criteria provided, single submitter. Criteria: Invitae Variant Classification Sherloc (09022015). Collection method: clinical testing. Allele origin: germline.
Comment: This sequence change falls in intron 1 of the STK11 gene. It does not directly change the encoded amino acid sequence of the STK11 protein, but it affects a nucleotide within the consensus splice site of the intron. In summary, the available evidence is currently insufficient to determine the role of this variant in disease. Therefore, it has been classified as a Variant of Uncertain Significance. Nucleotide substitutions within the consensus splice site are a relatively common cause of aberrant splicing (PMID: 17576681, 9536098). Algorithms developed to predict the effect of sequence changes on RNA splicing suggest that this variant may disrupt the consensus splice site, but this prediction has not been confirmed by published transcriptional studies. This variant has not been reported in the literature in individuals with STK11-related disease. This variant is not present in population databases (ExAC no frequency).

Literature cited by the submitters: PubMed 17576681; PubMed 9536098.

NM_000455.5(STK11):c.290+3A>C

Gene: STK11 (serine/threonine kinase 11; plus strand). Cytogenetic location: 19p13.3.
Variant type: single nucleotide variant.
Coding change: c.290+3A>C on transcript NM_000455.5 (MANE Select); 3 bases into the intron after coding-DNA position 290, A replaced by C.
Molecular consequence: intron variant.
Genome position (GRCh38, 1-based): chr19:1,207,206, A>C. VCF-style: chr19-1207206-A-C. GRCh37 (hg19) VCF-style: chr19-1207205-A-C.
Identifiers: ClinVar variation 576785 (VCV000576785.6), dbSNP rs863224668, ClinGen allele CA891843676.